The following is an entry in ClinVar:

ClinVar aggregate classification (germline): Uncertain significance (1 of 4 stars; one submission).

Conditions:
Inborn genetic diseases. Identifiers: MedGen C0950123, MeSH D030342.

Submission:

Ambry Genetics
Classification: Uncertain significance for Inborn genetic diseases. Last evaluated: 2025-01-07. Review status: criteria provided, single submitter. Criteria: Ambry Variant Classification Scheme 2023. Collection method: clinical testing. Allele origin: germline.
Comment: The p.N148D variant (also known as c.442A>G), located in coding exon 4 of the PAX5 gene, results from an A to G substitution at nucleotide position 442. The asparagine at codon 148 is replaced by aspartic acid, an amino acid with highly similar properties. This amino acid position is conserved. In addition, the in silico prediction for this alteration is inconclusive. Based on the available evidence, the clinical significance of this variant remains unclear.

NM_016734.3(PAX5):c.442A>G (p.Asn148Asp)

Genes: PAX5 (paired box 5; minus strand), LOC105376032 (uncharacterized LOC105376032; plus strand). Cytogenetic location: 9p13.2.
Variant type: single nucleotide variant.
Coding change: c.442A>G on transcript NM_016734.3 (MANE Select); coding-DNA position 442, A replaced by G.
Protein change: p.Asn148Asp; replaces asparagine 148 with aspartic acid.
Molecular consequence: missense variant. On other transcripts: non-coding transcript variant (2).
Genome position (GRCh38, 1-based): chr9:37,006,506, T>C on the plus strand (A>G on the coding strand, the complement: PAX5 is on the minus strand). VCF-style: chr9-37006506-T-C. GRCh37 (hg19) VCF-style: chr9-37006503-T-C.
Other names: c.442A>G, p.Asn148Asp (NM_001280547.2, NM_001280548.2, NM_001280549.2 and 4 more transcripts); c.118A>G, p.Asn40Asp (NM_001280551.2, NM_001280556.2); c.244A>G, p.Asn82Asp (NM_001280555.2); short protein forms N40D, N82D, N148D.
Identifiers: ClinVar variation 3885919 (VCV003885919.1).
Genomic context (GRCh38, chr9:37,006,506, plus strand): 5'-TAAATTTTTTTTAAAAGTTCCTCTTACCTATGCTGTGACTGGAAGCTGGGACTGGTTGGT[T>C]GGGTGGCTGCTGTACTTTTGTCCGGATGATCCTGTGGGCAGTTGAAAAACAAAATTGCTA-3'
Protein context (NP_057953.1, residues 138-158): IIRTKVQQPP[Asn148Asp]QPVPASSHSI